The following is an entry in ClinVar:

ClinVar aggregate classification (germline): Uncertain significance (1 of 4 stars; one submission).

Submission:

Labcorp Genetics (formerly Invitae), Labcorp
Classification: Uncertain significance. Last evaluated: 2023-12-02. Review status: criteria provided, single submitter. Criteria: Invitae Variant Classification Sherloc (09022015). Collection method: clinical testing. Allele origin: germline.
Comment: This sequence change replaces aspartic acid, which is acidic and polar, with asparagine, which is neutral and polar, at codon 81 of the BMP2 protein (p.Asp81Asn). This variant is not present in population databases (gnomAD no frequency). This variant has not been reported in the literature in individuals affected with BMP2-related conditions. An algorithm developed to predict the effect of missense changes on protein structure and function (PolyPhen-2) suggests that this variant is likely to be disruptive. In summary, the available evidence is currently insufficient to determine the role of this variant in disease. Therefore, it has been classified as a Variant of Uncertain Significance.

NM_001200.4(BMP2):c.241G>A (p.Asp81Asn)

Gene: BMP2 (bone morphogenetic protein 2; plus strand). Cytogenetic location: 20p12.3.
Variant type: single nucleotide variant.
Coding change: c.241G>A on transcript NM_001200.4 (MANE Select); coding-DNA position 241, G replaced by A.
Protein change: p.Asp81Asn; replaces aspartic acid 81 with asparagine.
Molecular consequence: missense variant.
Genome position (GRCh38, 1-based): chr20:6,770,367, G>A. VCF-style: chr20-6770367-G-A. GRCh37 (hg19) VCF-style: chr20-6751014-G-A.
Other names: short protein forms D81N.
Identifiers: ClinVar variation 2876851 (VCV002876851.3), dbSNP rs1568547704, ClinGen allele CA408260522.
Genomic context (GRCh38, chr20:6,770,367, plus strand): 5'-TTCGGCCTGAAACAGAGACCCACCCCCAGCAGGGACGCCGTGGTGCCCCCCTACATGCTA[G>A]ACCTGTATCGCAGGCACTCAGGTCAGCCGGGCTCACCCGCCCCAGACCACCGGTTGGAGA-3'
Protein context (NP_001191.1, residues 71-91): RDAVVPPYML[Asp81Asn]LYRRHSGQPG